The following is an entry in ClinVar:

NM_001982.4(ERBB3):c.421+110T>A

Gene: ERBB3 (erb-b2 receptor tyrosine kinase 3; plus strand). Cytogenetic location: 12q13.2.
Variant type: single nucleotide variant.
Coding change: c.421+110T>A on transcript NM_001982.4 (MANE Select); 110 bases into the intron after coding-DNA position 421, T replaced by A.
Molecular consequence: intron variant. On other transcripts: synonymous variant (1).
Genome position (GRCh38, 1-based): chr12:56,085,291, T>A. VCF-style: chr12-56085291-T-A. GRCh37 (hg19) VCF-style: chr12-56479075-T-A.
Other names: c.531T>A, p.Pro177= (NM_001005915.1).
Identifiers: ClinVar variation 3025785 (VCV003025785.22), dbSNP rs2540744460, ClinGen allele CA2575186738.

ClinVar aggregate classification (germline): Likely benign (1 of 4 stars; one submission).

Submission:

CeGaT Center for Human Genetics Tuebingen
Classification: Likely benign. Last evaluated: 2024-01-01. Review status: criteria provided, single submitter. Criteria: CeGaT Center For Human Genetics Tuebingen Variant Classification Criteria Version 2. Collection method: clinical testing. Allele origin: germline. Affected: yes. Observed: 1 variant allele.
Comment: ERBB3: PM2:Supporting, BP4, BP7